The following is an entry in ClinVar:

NM_014806.5(RUSC2):c.547C>T (p.Gln183Ter)

Gene: RUSC2 (RUN and SH3 domain containing 2; plus strand). Cytogenetic location: 9p13.3.
Variant type: single nucleotide variant.
Coding change: c.547C>T on transcript NM_014806.5 (MANE Select); coding-DNA position 547, C replaced by T.
Protein change: p.Gln183Ter; replaces glutamine 183 with a stop codon.
Molecular consequence: nonsense. On other transcripts: non-coding transcript variant (1), intron variant (1).
Genome position (GRCh38, 1-based): chr9:35,547,068, C>T. VCF-style: chr9-35547068-C-T. GRCh37 (hg19) VCF-style: chr9-35547065-C-T.
Other names: c.547C>T, p.Gln183Ter (NM_001135999.2); c.-620-7992C>T (NM_001330740.2); short protein forms Q183*.
Identifiers: ClinVar variation 1363847 (VCV001363847.6), dbSNP rs2132552044, ClinGen allele CA373327615.

ClinVar aggregate classification (germline): Pathogenic (1 of 4 stars; one submission).

Submission:

Labcorp Genetics (formerly Invitae), Labcorp
Classification: Pathogenic. Last evaluated: 2024-05-08. Review status: criteria provided, single submitter. Criteria: Invitae Variant Classification Sherloc (09022015). Collection method: clinical testing. Allele origin: germline.
Comment: This sequence change creates a premature translational stop signal (p.Gln183*) in the RUSC2 gene. It is expected to result in an absent or disrupted protein product. Loss-of-function variants in RUSC2 are known to be pathogenic (PMID: 27612186). This variant is not present in population databases (gnomAD no frequency). This variant has not been reported in the literature in individuals affected with RUSC2-related conditions. ClinVar contains an entry for this variant (Variation ID: 1363847). For these reasons, this variant has been classified as Pathogenic.

Literature cited by the submitters: PubMed 27612186.